The following is an entry in ClinVar:

NM_001278116.2(L1CAM):c.3500dup (p.Met1168fs)

Gene: L1CAM (L1 cell adhesion molecule; minus strand). Cytogenetic location: Xq28.
Variant type: Duplication.
Coding change: c.3500dup on transcript NM_001278116.2 (MANE Select); coding-DNA position 3500, one base duplicated (C; older notation c.3500dupC).
Protein change: p.Met1168fs; shifts the reading frame from methionine 1168.
Molecular consequence: frameshift variant.
Genome position (GRCh38, 1-based): chrX:153,863,507, G duplicated on the plus strand (C on the coding strand, the reverse complement: L1CAM is on the minus strand); the first of 2 consecutive G bases (chrX:153,863,507-153,863,508); duplicating either gives the same sequence. VCF-style (leftmost placement, unchanged base first): chrX-153863506-C-CG. GRCh37 (hg19) VCF-style: chrX-153128961-C-CG.
Other names: NM_001278116.2:c.3500dup; c.3500dup, p.Met1168fs (NM_000425.5, NM_024003.3); c.3485dup, p.Met1163fs (NM_001143963.2); short protein forms M1163fs, M1168fs.
Identifiers: ClinVar variation 2500928 (VCV002500928.1), dbSNP rs2520956366, ClinGen allele CA2579929271.
Genomic context (GRCh38, chrX:153,863,506, plus strand): 5'-AGTGCCAGCACCCACTCCTGCCCCGGCTCACCTGTACTCGCCGAAGGTCTCATCTTTCAT[C>CG]GGTCGGGCCTCAGAGTCCACCTGGGTGTCCTCCTTATCCTTCACTGGAGACACAGAGAGG-3'

ClinVar aggregate classification (germline): Likely pathogenic (1 of 4 stars; one submission).

Conditions:
L1 syndrome. Identifiers: Orphanet 275543, MedGen C5779710, MONDO:0017140.

Submission:

Broad Center for Mendelian Genomics, Broad Institute of MIT and Harvard
Classification: Likely pathogenic for L1 syndrome. Last evaluated: 2023-05-02. Review status: criteria provided, single submitter. Criteria: ACMG Guidelines, 2015. Collection method: curation. Allele origin: germline. Inheritance: X-linked inheritance.
Comment: The p.Met1168AspfsTer4 variant in L1CAM has not been previously reported in individuals with L1 syndrome. This variant was absent from large population studies. This variant is predicted to cause a frameshift, which alters the protein‚Äôs amino acid sequence beginning at position 1168 and leads to a premature termination codon 4 amino acids downstream. This alteration is then predicted to lead to a truncated or absent protein. Loss of function of the L1CAM gene is an established disease mechanism in X-linked L1 syndrome. In summary, although additional studies are required to fully establish its clinical significance, this variant is likely pathogenic for X-linked L1 syndrome. ACMG/AMP Criteria applied: PVS1, PM2_Supporting (Richards 2015).